The following is an entry in ClinVar:

NM_000369.5(TSHR):c.171-11T>C

Genes: TSHR-AS1 (TSHR antisense RNA 1; minus strand), TSHR (thyroid stimulating hormone receptor; plus strand). Cytogenetic location: 14q31.1.
Variant type: single nucleotide variant.
Coding change: c.171-11T>C on transcript NM_000369.5 (MANE Select); 11 bases into the intron before coding-DNA position 171, T replaced by C.
Molecular consequence: intron variant.
Genome position (GRCh38, 1-based): chr14:81,062,137, T>C. VCF-style: chr14-81062137-T-C. GRCh37 (hg19) VCF-style: chr14-81528481-T-C.
Other names: c.171-11T>C (NM_001142626.3, NM_001018036.3).
Identifiers: ClinVar variation 314691 (VCV000314691.8), dbSNP rs145265345, ClinGen allele CA7294023.

ClinVar aggregate classification (germline): Conflicting classifications of pathogenicity. Review status: criteria provided, conflicting classifications (1 of 4 stars). 3 submissions from 2 submitters: Uncertain significance (1); Benign (2). Last evaluated 2026-01-31.

Conditions:
Hypothyroidism due to TSH receptor mutations. Also called: HYPOTHYROIDISM DUE TO UNRESPONSIVENESS TO THYROTROPIN; HYPOTHYROIDISM, CONGENITAL, DUE TO TSH RESISTANCE; HYPOTHYROIDISM, NONAUTOIMMUNE; THYROID-STIMULATING HORMONE, RESISTANCE TO; TSH RESISTANCE; Hypothyroidism, congenital, nongoitrous, 1. Identifiers: Orphanet 90673, MedGen C3493776, MONDO:0010142, OMIM 275200.
Familial hyperthyroidism due to mutations in TSH receptor. Also called: HYPERTHYROIDISM, CONGENITAL NONAUTOIMMUNE; HYPERTHYROIDISM, NONAUTOIMMUNE, AUTOSOMAL DOMINANT; TOXIC THYROID HYPERPLASIA, AUTOSOMAL DOMINANT. Identifiers: Orphanet 424, MedGen C1836706, MONDO:0012203, OMIM 609152.

Allele frequency attached by ClinVar (database versions not stated): gnomAD exomes 0.00069; ExAC 0.00095; gnomAD 0.00249 and 0.00266; TOPMed 0.00288; 1000 Genomes Project 0.00300; 1000 Genomes Project 30x 0.00312; ESP Exome Variant Server 0.00378.
gnomAD v4.1: 845 of 1,607,508 alleles (0.053%); highest among the groups gnomAD compares: African/African-American, 0.92%; 2 homozygotes.

Submissions (3):

Labcorp Genetics (formerly Invitae), Labcorp
Classification: Benign. Last evaluated: 2026-01-31. Review status: criteria provided, single submitter. Criteria: Invitae Variant Classification Sherloc (09022015). Collection method: clinical testing. Allele origin: germline.

Illumina Laboratory Services, Illumina
Classification: Benign for Familial hyperthyroidism due to mutations in TSH receptor. Last evaluated: 2018-01-12. Review status: criteria provided, single submitter. Criteria: ICSL Variant Classification Criteria 13 December 2019. Collection method: clinical testing. Allele origin: germline.
Comment: This variant was observed in the ICSL laboratory as part of a predisposition screen in an ostensibly healthy population. It had not been previously curated by ICSL or reported in the Human Gene Mutation Database (HGMD: prior to June 1st, 2018), and was therefore a candidate for classification through an automated scoring system. Utilizing variant allele frequency, disease prevalence and penetrance estimates, and inheritance mode, an automated score was calculated to assess if this variant is too frequent to cause the disease. Based on the score and internal cut-off values, a variant classified as benign is not then subjected to further curation. The score for this variant resulted in a classification of benign for this disease.

Illumina Laboratory Services, Illumina
Classification: Uncertain significance for Hypothyroidism due to TSH receptor mutations. Last evaluated: 2018-01-12. Review status: criteria provided, single submitter. Criteria: ICSL Variant Classification Criteria 13 December 2019. Collection method: clinical testing. Allele origin: germline.